The following is an entry in ClinVar:

ClinVar aggregate classification (germline): Likely benign. Review status: criteria provided, single submitter (1 of 4 stars). 2 submissions from 2 submitters: Likely benign (1). 1 of the submissions does not count toward it. Last evaluated 2020-07-06.

Conditions:
ADAMTSL2-related disorder. Also called: ADAMTSL2-related condition.

gnomAD v4.1: 84 of 1,352,566 alleles (0.0062%); highest among the groups gnomAD compares: African/African-American, 0.12%; no homozygotes.

Submissions (2):

Blueprint Genetics
Classification: Likely benign. Last evaluated: 2020-07-06. Review status: criteria provided, single submitter. Criteria: ACMG Guidelines, 2015. Collection method: clinical testing. Allele origin: germline.

PreventionGenetics, part of Exact Sciences
Classification: Likely benign for ADAMTSL2-related condition. Last evaluated: 2024-07-15. Review status: no assertion criteria provided. Collection method: clinical testing. Allele origin: germline. Not counted in ClinVar's aggregate classification.
Comment: This variant is classified as likely benign based on ACMG/AMP sequence variant interpretation guidelines (Richards et al. 2015 PMID: 25741868, with internal and published modifications).

NM_014694.4(ADAMTSL2):c.198G>A (p.Gly66=)

Gene: ADAMTSL2 (ADAMTS like 2; plus strand). Cytogenetic location: 9q34.2.
Variant type: single nucleotide variant.
Coding change: c.198G>A on transcript NM_014694.4 (MANE Select); coding-DNA position 198, G replaced by A.
Protein change: p.Gly66=; no amino-acid change (glycine 66 retained).
Molecular consequence: synonymous variant.
Genome position (GRCh38, 1-based): chr9:133,537,512, G>A. VCF-style: chr9-133537512-G-A. GRCh37 (hg19) VCF-style: chr9-136402634-G-A.
Other names: c.198G>A, p.Gly66= (NM_001145320.2).
Identifiers: ClinVar variation 3352484 (VCV003352484.2).